The following is an entry in ClinVar:

NM_001025603.2(RFX5):c.592G>A (p.Asp198Asn)

Gene: RFX5 (regulatory factor X5; minus strand). Cytogenetic location: 1q21.3.
Variant type: single nucleotide variant.
Coding change: c.592G>A on transcript NM_001025603.2 (MANE Select); coding-DNA position 592, G replaced by A.
Protein change: p.Asp198Asn; replaces aspartic acid 198 with asparagine.
Molecular consequence: missense variant.
Genome position (GRCh38, 1-based): chr1:151,343,846, C>T on the plus strand (G>A on the coding strand, the complement: RFX5 is on the minus strand). VCF-style: chr1-151343846-C-T. GRCh37 (hg19) VCF-style: chr1-151316322-C-T.
Other names: c.472G>A, p.Asp158Asn (NM_001379419.1, NM_001379420.1); c.592G>A, p.Asp198Asn (NM_000449.4, NM_001379412.1, NM_001379413.1 and 5 more transcripts); short protein forms D198N, D158N.
Identifiers: ClinVar variation 2975475 (VCV002975475.3), dbSNP rs765790885, ClinGen allele CA1089789.

ClinVar aggregate classification (germline): Uncertain significance (1 of 4 stars; one submission).

Conditions:
MHC class II deficiency. Also called: Bare lymphocyte syndrome 2; BLS, TYPE II. Identifiers: Orphanet 572, MedGen C5447452, MONDO:0008855.

Allele frequency attached by ClinVar (database versions not stated): gnomAD exomes 0.00001; ExAC 0.00001; gnomAD 0.00001.

Submission:

Labcorp Genetics (formerly Invitae), Labcorp
Classification: Uncertain significance for MHC class II deficiency. Last evaluated: 2023-06-14. Review status: criteria provided, single submitter. Criteria: Invitae Variant Classification Sherloc (09022015). Collection method: clinical testing. Allele origin: germline.
Comment: This sequence change replaces aspartic acid, which is acidic and polar, with asparagine, which is neutral and polar, at codon 198 of the RFX5 protein (p.Asp198Asn). This variant is present in population databases (rs765790885, gnomAD 0.002%). This variant has not been reported in the literature in individuals affected with RFX5-related conditions. An algorithm developed to predict the effect of missense changes on protein structure and function (PolyPhen-2) suggests that this variant is likely to be tolerated. In summary, the available evidence is currently insufficient to determine the role of this variant in disease. Therefore, it has been classified as a Variant of Uncertain Significance.